The following is an entry in ClinVar:

ClinVar aggregate classification (germline): Pathogenic (1 of 4 stars; one submission).

Conditions:
Methylcobalamin deficiency type cblG (HMAG). Also called: HOMOCYSTINURIA-MEGALOBLASTIC ANEMIA, cblG COMPLEMENTATION TYPE; Functional methionine synthase deficiency type cblG; HOMOCYSTINURIA-MEGALOBLASTIC ANEMIA, cblG TYPE; HOMOCYSTINURIA-MEGALOBLASTIC ANEMIA DUE TO DEFECT IN COBALAMIN METABOLISM, cblG COMPLEMENTATION TYPE. Identifiers: Orphanet 2170, Orphanet 622, MedGen C1855128, MONDO:0009609, OMIM 250940.

gnomAD v4.1: 8 of 1,612,886 alleles (0.0005%); highest among the groups gnomAD compares: Non-Finnish European, 0.00051%; no homozygotes.

Submission:

Labcorp Genetics (formerly Invitae), Labcorp
Classification: Pathogenic for Methylcobalamin deficiency type cblG. Last evaluated: 2025-03-12. Review status: criteria provided, single submitter. Criteria: Invitae Variant Classification Sherloc (09022015). Collection method: clinical testing. Allele origin: germline.
Comment: This sequence change creates a premature translational stop signal (p.Arg703*) in the MTR gene. It is expected to result in an absent or disrupted protein product. Loss-of-function variants in MTR are known to be pathogenic (PMID: 9683607, 12068375). This variant is not present in population databases (gnomAD no frequency). This variant has not been reported in the literature in individuals affected with MTR-related conditions. For these reasons, this variant has been classified as Pathogenic.

Literature cited by the submitters: PubMed 9683607; PubMed 12068375.

NM_000254.3(MTR):c.2107C>T (p.Arg703Ter)

Gene: MTR (5-methyltetrahydrofolate-homocysteine methyltransferase; plus strand). Cytogenetic location: 1q43.
Variant type: single nucleotide variant.
Coding change: c.2107C>T on transcript NM_000254.3 (MANE Select); coding-DNA position 2107, C replaced by T.
Protein change: p.Arg703Ter; replaces arginine 703 with a stop codon.
Molecular consequence: nonsense. On other transcripts: intron variant (1).
Genome position (GRCh38, 1-based): chr1:236,861,188, C>T. VCF-style: chr1-236861188-C-T. GRCh37 (hg19) VCF-style: chr1-237024488-C-T.
Other names: c.886C>T, p.Arg296Ter (NM_001291940.2); c.2107C>T, p.Arg703Ter (NM_001410942.1); c.2044-1048C>T (NM_001291939.1); short protein forms R703*, R296*.
Identifiers: ClinVar variation 4709481 (VCV004709481.1).